The following is an entry in ClinVar:

ClinVar aggregate classification (germline): Likely benign. Review status: criteria provided, multiple submitters, no conflicts (2 of 4 stars). 2 submissions from 2 submitters: Likely benign (2). Last evaluated 2018-06-16.

Allele frequency attached by ClinVar (database versions not stated): TOPMed 0.01438; 1000 Genomes Project 30x 0.01562; 1000 Genomes Project 0.01597; ESP Exome Variant Server 0.01730; gnomAD 0.01789 and 0.01838; gnomAD exomes 0.01988; ExAC 0.02123.
gnomAD v4.1: 27,349 of 1,613,666 alleles (1.7%); highest among the groups gnomAD compares: South Asian, 3.5%; 380 homozygotes.

Submissions (2):

GeneDx
Classification: Likely benign. Last evaluated: 2018-06-16. Review status: criteria provided, single submitter. Criteria: GeneDx Variant Classification (06012015). Collection method: clinical testing. Allele origin: germline. Affected: yes.
Comment: This variant is considered likely benign or benign based on one or more of the following criteria: it is a conservative change, it occurs at a poorly conserved position in the protein, it is predicted to be benign by multiple in silico algorithms, and/or has population frequency not consistent with disease.

Breakthrough Genomics
Classification: Likely benign. Review status: criteria provided, single submitter. Criteria: ACMG Guidelines, 2015. Collection method: not provided. Allele origin: germline. Inheritance: Autosomal dominant inheritance. Affected: yes.

NM_017636.4(TRPM4):c.613-39C>T

Gene: TRPM4 (transient receptor potential cation channel subfamily M member 4; plus strand). Cytogenetic location: 19q13.33.
Variant type: single nucleotide variant.
Coding change: c.613-39C>T on transcript NM_017636.4 (MANE Select); 39 bases into the intron before coding-DNA position 613, C replaced by T.
Molecular consequence: intron variant.
Genome position (GRCh38, 1-based): chr19:49,168,514, C>T. VCF-style: chr19-49168514-C-T. GRCh37 (hg19) VCF-style: chr19-49671771-C-T.
Other names: c.613-39C>T (NM_001195227.2); c.-941-39C>T (NM_001321282.2); c.268-39C>T (NM_001321281.2); c.91-39C>T (NM_001321283.2); c.-237-39C>T (NM_001321285.2).
Identifiers: ClinVar variation 676374 (VCV000676374.2), dbSNP rs113159745, ClinGen allele CA9568881.
Genomic context (GRCh38, chr19:49,168,514, plus strand): 5'-GGAGGCCTGGACTCCTGGGTCTGAGGGAGGAGGAGGGGCTCGTGTTTGTCCTTCTGGCCC[C>T]GATGAGGAGACGCCCTGGTCTGGCCATTTTTCCCCTAGGGCTCGTTCCCTGCGAGGTACC-3'